The following is an entry in ClinVar:

ClinVar aggregate classification (germline): Likely pathogenic (1 of 4 stars; one submission).

Conditions:
Junctional epidermolysis bullosa. Identifiers: Orphanet 305, MedGen C0079301, MONDO:0017612.

Submission:

Myriad Genetics, Inc.
Classification: Likely pathogenic for Junctional epidermolysis bullosa. Last evaluated: 2022-04-23. Review status: criteria provided, single submitter. Criteria: Myriad Autosomal Dominant, Autosomal Recessive and X-Linked Classification Criteria (2023). Collection method: clinical testing. Allele origin: unknown.
Comment: NM_000228.2(LAMB3):c.2800delG(E934Rfs*96) is expected to be pathogenic in the context of junctional epidermolysis bullosa, LAMB3-related. This variant is predicted to lead to an abnormal or absent protein product due to the creation of a premature termination codon in LAMB3, a gene where loss-of-function variants are known to be pathogenic. Please note: this variant was assessed in the context of healthy population screening.

NM_000228.3(LAMB3):c.2800del (p.Glu934fs)

Gene: LAMB3 (laminin subunit beta 3; minus strand). Cytogenetic location: 1q32.2.
Variant type: Deletion.
Coding change: c.2800del on transcript NM_000228.3 (MANE Select); coding-DNA position 2800, one base deleted (G; older notation c.2800delG).
Protein change: p.Glu934fs; shifts the reading frame from glutamic acid 934.
Molecular consequence: frameshift variant.
Genome position (GRCh38, 1-based): chr1:209,618,561, C deleted on the plus strand (G on the coding strand, the reverse complement: LAMB3 is on the minus strand). VCF-style (leftmost placement, unchanged base first): chr1-209618560-TC-T. GRCh37 (hg19) VCF-style: chr1-209791905-TC-T.
Other names: c.2800del, p.Glu934fs (NM_001017402.2, NM_001127641.1); short protein forms E934fs.
Identifiers: ClinVar variation 1725959 (VCV001725959.3), dbSNP rs2464763815, ClinGen allele CA2580061993.